The following is an entry in ClinVar:

NM_021957.4(GYS2):c.1528G>A (p.Glu510Lys)

Gene: GYS2 (glycogen synthase 2; minus strand). Cytogenetic location: 12p12.1.
Variant type: single nucleotide variant.
Coding change: c.1528G>A on transcript NM_021957.4 (MANE Select); coding-DNA position 1528, G replaced by A.
Protein change: p.Glu510Lys; replaces glutamic acid 510 with lysine.
Molecular consequence: missense variant.
Genome position (GRCh38, 1-based): chr12:21,546,365, C>T on the plus strand (G>A on the coding strand, the complement: GYS2 is on the minus strand). VCF-style: chr12-21546365-C-T. GRCh37 (hg19) VCF-style: chr12-21699299-C-T.
Other names: short protein forms E510K.
Identifiers: ClinVar variation 3345455 (VCV003345455.1).

ClinVar aggregate classification (germline): Uncertain significance (0 of 4 stars; one submission).

Conditions:
GYS2-related disorder. Also called: GYS2-related condition.

gnomAD v4.1: 5 of 1,603,786 alleles (0.00031%); highest among the groups gnomAD compares: Non-Finnish European, 0.00043%; no homozygotes.

Submission:

PreventionGenetics, part of Exact Sciences
Classification: Uncertain significance for GYS2-related condition. Last evaluated: 2024-09-12. Review status: no assertion criteria provided. Collection method: clinical testing. Allele origin: germline.
Comment: The GYS2 c.1528G>A variant is predicted to result in the amino acid substitution p.Glu510Lys. To our knowledge, this variant has not been reported in the literature or in a large population database, indicating this variant is rare. At this time, the clinical significance of this variant is uncertain due to the absence of conclusive functional and genetic evidence.